The following is an entry in ClinVar:

NM_005045.4(RELN):c.8578T>G (p.Cys2860Gly)

Genes: SLC26A5-AS1 (SLC26A5 antisense RNA 1; plus strand), RELN (reelin; minus strand). Cytogenetic location: 7q22.1.
Variant type: single nucleotide variant.
Coding change: c.8578T>G on transcript NM_005045.4 (MANE Select); coding-DNA position 8578, T replaced by G.
Protein change: p.Cys2860Gly; replaces cysteine 2860 with glycine.
Molecular consequence: missense variant.
Genome position (GRCh38, 1-based): chr7:103,500,834, A>C on the plus strand (T>G on the coding strand, the complement: RELN is on the minus strand). VCF-style: chr7-103500834-A-C. GRCh37 (hg19) VCF-style: chr7-103141281-A-C.
Other names: c.8578T>G, p.Cys2860Gly (NM_173054.3); short protein forms C2860G.
Identifiers: ClinVar variation 1034151 (VCV001034151.5), dbSNP rs1829002405, ClinGen allele CA368755610.
Genomic context (GRCh38, chr7:103,500,834, plus strand): 5'-GCCCTGAGTATCCCGGATCACAGATGCACTGTTCCCTTAAGCAATCTCCATGGCCCCTGC[A>C]GTTGTCCAAGCATCCAGGGCCCAGGTAGAAATTATCGATTGCCCACTGCATGTCTGAGTA-3'
Protein context (NP_005036.2, residues 2850-2870): FYLGPGCLDN[Cys2860Gly]RGHGDCLREQ

ClinVar aggregate classification (germline): Uncertain significance. Review status: criteria provided, multiple submitters, no conflicts (2 of 4 stars). 3 submissions from 3 submitters: Uncertain significance (3). Last evaluated 2025-08-08.

Conditions:
Familial temporal lobe epilepsy 7. Identifiers: Orphanet 101046, MedGen C4225327, MONDO:0014639, OMIM 616436.
Norman-Roberts syndrome (LIS2). Also called: Lissencephaly 2 (Norman-Roberts type). Identifiers: Orphanet 89844, MedGen C0796089, MONDO:0009760, OMIM 257320.

Submissions (3):

GeneDx
Classification: Uncertain significance. Last evaluated: 2025-08-08. Review status: criteria provided, single submitter. Criteria: GeneDx Variant Classification Process June 2021. Collection method: clinical testing. Allele origin: germline. Affected: yes.
Comment: Not observed at significant frequency in large population cohorts (gnomAD); In silico analysis supports that this missense variant has a deleterious effect on protein structure/function; Has not been previously published as pathogenic or benign to our knowledge

Labcorp Genetics (formerly Invitae), Labcorp
Classification: Uncertain significance for Familial temporal lobe epilepsy 7; Norman-Roberts syndrome. Last evaluated: 2023-06-16. Review status: criteria provided, single submitter. Criteria: Invitae Variant Classification Sherloc (09022015). Collection method: clinical testing. Allele origin: germline.
Comment: This sequence change replaces cysteine, which is neutral and slightly polar, with glycine, which is neutral and non-polar, at codon 2860 of the RELN protein (p.Cys2860Gly). This variant is not present in population databases (gnomAD no frequency). This variant has not been reported in the literature in individuals affected with RELN-related conditions. ClinVar contains an entry for this variant (Variation ID: 1034151). Advanced modeling of protein sequence and biophysical properties (such as structural, functional, and spatial information, amino acid conservation, physicochemical variation, residue mobility, and thermodynamic stability) has been performed at Invitae for this missense variant, however the output from this modeling did not meet the statistical confidence thresholds required to predict the impact of this variant on RELN protein function. In summary, the available evidence is currently insufficient to determine the role of this variant in disease. Therefore, it has been classified as a Variant of Uncertain Significance.

Baylor Genetics
Classification: Uncertain significance for Familial temporal lobe epilepsy 7. Last evaluated: 2018-05-15. Review status: criteria provided, single submitter. Criteria: ACMG Guidelines, 2015. Collection method: clinical testing. Allele origin: maternal. Affected: yes.
Comment: This variant was determined to be of uncertain significance according to ACMG Guidelines, 2015 [PMID:25741868].